The following is an entry in ClinVar:

ClinVar aggregate classification (germline): Uncertain significance (1 of 4 stars; one submission).

Submission:

Labcorp Genetics (formerly Invitae), Labcorp
Classification: Uncertain significance. Last evaluated: 2024-09-10. Review status: criteria provided, single submitter. Criteria: Invitae Variant Classification Sherloc (09022015). Collection method: clinical testing. Allele origin: germline.
Comment: This sequence change replaces proline, which is neutral and non-polar, with arginine, which is basic and polar, at codon 2602 of the FLNB protein (p.Pro2602Arg). This variant is not present in population databases (gnomAD no frequency). This variant has not been reported in the literature in individuals affected with FLNB-related conditions. Invitae Evidence Modeling of protein sequence and biophysical properties (such as structural, functional, and spatial information, amino acid conservation, physicochemical variation, residue mobility, and thermodynamic stability) indicates that this missense variant is not expected to disrupt FLNB protein function with a negative predictive value of 95%. Algorithms developed to predict the effect of sequence changes on RNA splicing suggest that this variant may create or strengthen a splice site. In summary, the available evidence is currently insufficient to determine the role of this variant in disease. Therefore, it has been classified as a Variant of Uncertain Significance.

NM_001457.4(FLNB):c.7805C>G (p.Pro2602Arg)

Gene: FLNB (filamin B; plus strand). Cytogenetic location: 3p14.3.
Variant type: single nucleotide variant.
Coding change: c.7805C>G on transcript NM_001457.4 (MANE Select); coding-DNA position 7805, C replaced by G.
Protein change: p.Pro2602Arg; replaces proline 2602 with arginine.
Molecular consequence: missense variant.
Genome position (GRCh38, 1-based): chr3:58,170,758, C>G. VCF-style: chr3-58170758-C-G. GRCh37 (hg19) VCF-style: chr3-58156485-C-G.
Other names: c.7898C>G, p.Pro2633Arg (NM_001164317.2); c.7772C>G, p.Pro2591Arg (NM_001164318.2); c.7733C>G, p.Pro2578Arg (NM_001164319.2); short protein forms P2602R, P2633R, P2578R, P2591R.
Identifiers: ClinVar variation 3635761 (VCV003635761.2).